The following is an entry in ClinVar:

ClinVar aggregate classification (germline): Likely benign. Review status: criteria provided, single submitter (1 of 4 stars). 2 submissions from 2 submitters: Likely benign (1). 1 of the submissions does not count toward it. Last evaluated 2026-02-01.

Conditions:
NBEA-related disorder. Also called: NBEA-related condition.

Allele frequency attached by ClinVar (database versions not stated): gnomAD 0.00003; gnomAD exomes 0.00013; TOPMed 0.00016; ExAC 0.00028.
gnomAD v4.1: 82 of 1,613,506 alleles (0.0051%); highest among the groups gnomAD compares: Admixed American, 0.14%; no homozygotes.

Submissions (2):

CeGaT Center for Human Genetics Tuebingen
Classification: Likely benign. Last evaluated: 2026-02-01. Review status: criteria provided, single submitter. Criteria: CeGaT Center For Human Genetics Tuebingen Variant Classification Criteria Version 2. Collection method: clinical testing. Allele origin: germline. Affected: yes. Observed: 1 variant allele.
Comment: NBEA: BP4, BP7, BS1

PreventionGenetics, part of Exact Sciences
Classification: Likely benign for NBEA-related condition. Last evaluated: 2019-05-06. Review status: no assertion criteria provided. Collection method: clinical testing. Allele origin: germline. Not counted in ClinVar's aggregate classification.
Comment: This variant is classified as likely benign based on ACMG/AMP sequence variant interpretation guidelines (Richards et al. 2015 PMID: 25741868, with internal and published modifications).

NM_001385012.1(NBEA):c.8211A>G (p.Val2737=)

Gene: NBEA (neurobeachin; plus strand). Cytogenetic location: 13q13.3.
Variant type: single nucleotide variant.
Coding change: c.8211A>G on transcript NM_001385012.1 (MANE Select); coding-DNA position 8211, A replaced by G.
Protein change: p.Val2737=; no amino-acid change (valine 2737 retained).
Molecular consequence: synonymous variant.
Genome position (GRCh38, 1-based): chr13:35,655,598, A>G. VCF-style: chr13-35655598-A-G. GRCh37 (hg19) VCF-style: chr13-36229735-A-G.
Other names: c.1527A>G, p.Val509= (NM_001204197.3); c.8202A>G, p.Val2734= (NM_001379245.1); c.8148A>G, p.Val2716= (NM_015678.5).
Identifiers: ClinVar variation 3037999 (VCV003037999.6), dbSNP rs773408261, ClinGen allele CA6947933.